The following is an entry in ClinVar:

NM_024596.5(MCPH1):c.2361C>T (p.Ser787=)

Genes: MCPH1 (microcephalin 1; plus strand), MCPH1-AS1 (MCPH1 antisense RNA 1; minus strand). Cytogenetic location: 8p23.1.
Variant type: single nucleotide variant.
Coding change: c.2361C>T on transcript NM_024596.5 (MANE Select); coding-DNA position 2361, C replaced by T.
Protein change: p.Ser787=; no amino-acid change (serine 787 retained).
Molecular consequence: synonymous variant. On other transcripts: non-coding transcript variant (1).
Genome position (GRCh38, 1-based): chr8:6,621,600, C>T. VCF-style: chr8-6621600-C-T. GRCh37 (hg19) VCF-style: chr8-6479121-C-T.
Other names: c.2361C>T, p.Ser787= (NM_001322042.2, NM_001363979.1, NM_001410917.1); c.2082C>T, p.Ser694= (NM_001363980.2).
Identifiers: ClinVar variation 2974470 (VCV002974470.17), dbSNP rs1831423801, ClinGen allele CA459164741.

ClinVar aggregate classification (germline): Likely benign. Review status: criteria provided, multiple submitters, no conflicts (2 of 4 stars). 2 submissions from 2 submitters: Likely benign (2). Last evaluated 2026-01-31.

Allele frequency attached by ClinVar (database versions not stated): gnomAD exomes below 0.00001; TOPMed 0.00001.
gnomAD v4.1: 1 of 1,614,210 alleles (0.000062%); highest among the groups gnomAD compares: Non-Finnish European, 0.000085%; no homozygotes.

Submissions (2):

Labcorp Genetics (formerly Invitae), Labcorp
Classification: Likely benign. Last evaluated: 2026-01-31. Review status: criteria provided, single submitter. Criteria: Invitae Variant Classification Sherloc (09022015). Collection method: clinical testing. Allele origin: germline.

CeGaT Center for Human Genetics Tuebingen
Classification: Likely benign. Last evaluated: 2024-09-01. Review status: criteria provided, single submitter. Criteria: CeGaT Center For Human Genetics Tuebingen Variant Classification Criteria Version 2. Collection method: clinical testing. Allele origin: germline. Affected: yes. Observed: 1 variant allele.
Comment: MCPH1: BP4, BP7